The following is an entry in ClinVar:

ClinVar aggregate classification (germline): Likely benign (1 of 4 stars; one submission).

Allele frequency attached by ClinVar (database versions not stated): 1000 Genomes Project 30x 0.00281; 1000 Genomes Project 0.00300; gnomAD 0.00352; gnomAD exomes 0.00372; ExAC 0.00376; ESP Exome Variant Server 0.00377; TOPMed 0.00457.
gnomAD v4.1: 6,131 of 1,614,176 alleles (0.38%); highest among the groups gnomAD compares: Middle Eastern, 1.6%; 34 homozygotes.

Submission:

CeGaT Center for Human Genetics Tuebingen
Classification: Likely benign. Last evaluated: 2023-04-01. Review status: criteria provided, single submitter. Criteria: CeGaT Center For Human Genetics Tuebingen Variant Classification Criteria Version 2. Collection method: clinical testing. Allele origin: germline. Affected: yes. Observed: 2 variant alleles.
Comment: NALF1: BP4, BP7, BS2

NM_001080396.3(NALF1):c.1305A>G (p.Ala435=)

Gene: NALF1 (NALCN channel auxiliary factor 1; minus strand). Cytogenetic location: 13q33.3.
Variant type: single nucleotide variant.
Coding change: c.1305A>G on transcript NM_001080396.3 (MANE Select); coding-DNA position 1305, A replaced by G.
Protein change: p.Ala435=; no amino-acid change (alanine 435 retained).
Molecular consequence: synonymous variant.
Genome position (GRCh38, 1-based): chr13:107,170,569, T>C on the plus strand (A>G on the coding strand, the complement: NALF1 is on the minus strand). VCF-style: chr13-107170569-T-C. GRCh37 (hg19) VCF-style: chr13-107822917-T-C.
Identifiers: ClinVar variation 2643928 (VCV002643928.24), dbSNP rs141380144, ClinGen allele CA7043097.
Genomic context (GRCh38, chr13:107,170,569, plus strand): 5'-GGTTGAGTTTTCTTCCAGCGTGTTGATGCCTCCAAAGCTCAGTCCGGCTGTGTTCTGTGC[T>C]GCCGAGGCTGTGAGCACTGTGTGTAAGAGAATCAGTACAAGAACACACAGCTTGAGTCTG-3'
Protein context (NP_001073865.1, residues 425-445): ILLHTVLTAS[Ala435=]AQNTAGLSFG